The following is an entry in ClinVar:

NM_002225.5(IVD):c.381del (p.Ala128fs)

Gene: IVD (isovaleryl-CoA dehydrogenase; plus strand). Cytogenetic location: 15q15.1.
Variant type: Deletion.
Coding change: c.381del on transcript NM_002225.5 (MANE Select); coding-DNA position 381, one base deleted (T; older notation c.381delT).
Protein change: p.Ala128fs; shifts the reading frame from alanine 128.
Molecular consequence: frameshift variant. On other transcripts: non-coding transcript variant (1).
Genome position (GRCh38, 1-based): chr15:40,410,722, T deleted. VCF-style (leftmost placement, unchanged base first): chr15-40410721-GT-G. GRCh37 (hg19) VCF-style: chr15-40702920-GT-G.
Other names: c.390del (NM_002225.3); c.291del, p.Ala98fs (NM_001159508.3); c.333del, p.Ala112fs (NM_001354597.3); c.381del, p.Ala128fs (NM_001354598.3, NM_001354601.3); c.468del, p.Ala157fs (NM_001354599.3, NM_001354600.3); short protein forms A112fs, A128fs, A157fs, A98fs.
Identifiers: ClinVar variation 459924 (VCV000459924.13), dbSNP rs769048174, ClinGen allele CA7480609.

ClinVar aggregate classification (germline): Pathogenic/Likely pathogenic. Review status: criteria provided, multiple submitters, no conflicts (2 of 4 stars). 5 submissions from 5 submitters: Pathogenic (3); Likely pathogenic (1). 1 of the submissions does not count toward it. Last evaluated 2026-01-12.

Conditions:
Inborn genetic diseases. Identifiers: MedGen C0950123, MeSH D030342.
Isovaleryl-CoA dehydrogenase deficiency (IVA). Also called: Classic Isovaleric Acidemia; ISOVALERIC ACID CoA DEHYDROGENASE DEFICIENCY; IVD DEFICIENCY; Isovaleric acidemia. Identifiers: Orphanet 33, MedGen C0268575, MONDO:0009475, OMIM 243500.

Allele frequency attached by ClinVar (database versions not stated): TOPMed below 0.00001; ExAC 0.00001; gnomAD 0.00001; gnomAD exomes 0.00001.

Submissions (5):

Labcorp Genetics (formerly Invitae), Labcorp
Classification: Pathogenic for Isovaleryl-CoA dehydrogenase deficiency. Last evaluated: 2026-01-12. Review status: criteria provided, single submitter. Criteria: Invitae Variant Classification Sherloc (09022015). Collection method: clinical testing. Allele origin: germline.
Comment: This sequence change creates a premature translational stop signal (p.Ala131Profs*26) in the IVD gene. It is expected to result in an absent or disrupted protein product. Loss-of-function variants in IVD are known to be pathogenic (PMID: 16602101). This variant is not present in population databases (gnomAD no frequency). This variant has not been reported in the literature in individuals affected with IVD-related conditions. ClinVar contains an entry for this variant (Variation ID: 459924). For these reasons, this variant has been classified as Pathogenic.

Natera, Inc.
Classification: Likely pathogenic for Isovaleryl-coa dehydrogenase deficiency. Last evaluated: 2025-08-22. Review status: criteria provided, single submitter. Criteria: Natera Variant Classification Schema (03/2026). Collection method: clinical testing. Allele origin: germline.
Comment: The c.390delT variant in IVD is a frameshift variant predicted to shift the reading frame beginning at codon 131 and leads to a stop codon 26 codons downstream. This variant is expected to result in nonsense mediated decay, truncation, or a dysfunctional protein product. This variant is rare in the general population with a frequency below the threshold expected for the associated phenotype(s). Given the available evidence, this variant is classified as Likely Pathogenic.

Ambry Genetics
Classification: Pathogenic for Inborn genetic diseases. Last evaluated: 2024-09-12. Review status: criteria provided, single submitter. Criteria: Ambry Variant Classification Scheme 2023. Collection method: clinical testing. Allele origin: germline.
Comment: The c.390delT (p.A131Pfs*26) alteration, located in exon 4 (coding exon 4) of the IVD gene, consists of a deletion of one nucleotide at position 390, causing a translational frameshift with a predicted alternate stop codon after 26 amino acids. This alteration is expected to result in loss of function by premature protein truncation or nonsense-mediated mRNA decay. This variant was not reported in population-based cohorts in the Genome Aggregation Database (gnomAD). Based on the available evidence, this alteration is classified as pathogenic.

Baylor Genetics
Classification: Pathogenic for Isovaleryl-CoA dehydrogenase deficiency. Last evaluated: 2023-01-06. Review status: criteria provided, single submitter. Criteria: ACMG Guidelines, 2015. Collection method: clinical testing. Allele origin: unknown.

Counsyl
Classification: Likely pathogenic for Isovaleryl-CoA dehydrogenase deficiency. Last evaluated: 2014-10-20. Review status: no assertion criteria provided. Collection method: clinical testing. Allele origin: unknown. Not counted in ClinVar's aggregate classification.

Literature cited by the submitters: PubMed 16602101 (cited by Labcorp Genetics (formerly Invitae), Labcorp).